The following is an entry in ClinVar:

NM_000400.4(ERCC2):c.1954_1956del (p.Leu652del)

Gene: ERCC2 (ERCC excision repair 2, TFIIH core complex helicase subunit; minus strand). Cytogenetic location: 19q13.32.
Variant type: Deletion.
Coding change: c.1954_1956del on transcript NM_000400.4 (MANE Select); coding-DNA positions 1954 to 1956, 3 bases deleted (CTT; older notation c.1954_1956delCTT).
Protein change: p.Leu652del; deletes leucine 652.
Molecular consequence: inframe deletion.
Genome position (GRCh38, 1-based): chr19:45,352,596-45,352,598, AAG deleted on the plus strand (CTT on the coding strand, the reverse complement: ERCC2 is on the minus strand); deleting any 3 consecutive bases within chr19:45,352,596-45,352,600 gives the same sequence; the c. name uses the placement nearest the transcript's 3' end. VCF-style (leftmost placement, unchanged base first): chr19-45352595-TAAG-T. GRCh37 (hg19) VCF-style: chr19-45855853-TAAG-T.
Other names: short protein forms L652del.
Identifiers: ClinVar variation 2413346 (VCV002413346.5), dbSNP rs775486463, ClinGen allele CA9512963.

ClinVar aggregate classification (germline): Conflicting classifications of pathogenicity. Review status: criteria provided, conflicting classifications (1 of 4 stars). 3 submissions from 3 submitters: Likely pathogenic (1); Uncertain significance (2). Last evaluated 2026-01-06.

Conditions:
ERCC2-related disorder. Also called: ERCC2-related disorders; ERCC2-related conditions; ERCC2-related condition. Identifiers: MedGen CN239291.
Trichothiodystrophy 1, photosensitive (TTD1). Also called: TAY SYNDROME; TRICHOTHIODYSTROPHY WITH CONGENITAL ICHTHYOSIS; PIBIDS SYNDROME. Identifiers: Orphanet 33364, MedGen C1866504, MONDO:0011125, OMIM 601675.

Submissions (3):

Myriad Genetics, Inc.
Classification: Uncertain significance for ERCC2-related disorder. Last evaluated: 2026-01-06. Review status: criteria provided, single submitter. Criteria: Myriad Autosomal Dominant, Autosomal Recessive and X-Linked Classification Criteria (2023). Collection method: clinical testing. Allele origin: unknown.
Comment: NM_000400.3(ERCC2):c.1954_1956delCTT(L652del) is an in-frame deletion classified as a variant of uncertain significance in the context of ERCC2-related disorders. L652del has not been observed in cases with relevant disease. Relevant functional assessments of this variant are not available in the literature. L652del has been observed in referenced population frequency databases. In summary, there is insufficient evidence to classify NM_000400.3(ERCC2):c.1954_1956delCTT(L652del) as pathogenic or benign. Please note: this variant was assessed in the context of healthy population screening.

3billion
Classification: Likely pathogenic for Trichothiodystrophy 1, photosensitive. Last evaluated: 2024-06-21. Review status: criteria provided, single submitter. Criteria: ACMG Guidelines, 2015. Collection method: clinical testing. Allele origin: germline. Affected: yes.
Comment: The variant is observed at an extremely low frequency in the gnomAD v4.0.0 dataset (total allele frequency: 0.003%). Predicted Consequence/Location: The majority of the known disease-causing variants of this gene are variants expected to result in premature termination of the protein. In silico tool predictions suggest damaging effect of the variant on gene or gene product [REVEL: 0.90 (>=0.6, sensitivity 0.68 and specificity 0.92); 3Cnet: 0.90 (>=0.6, sensitivity 0.72 and precision 0.9)]. The same nucleotide change resulting in the same amino acid change has been previously reported as pathogenic/likely pathogenic with strong evidence (ClinVar ID: VCV000016785 /PMID: 8571952). The variant has been reported to be in trans with a pathogenic variant as either compound heterozygous or homozygous in at least one similarly affected unrelated individual (3billion dataset). Different missense changes at the same codon (p.Arg658Gly, p.Arg658His) have been reported as pathogenic/likely pathogenic with strong evidence (ClinVar ID: VCV001329484, VCV001499293 /PMID: 11734544, 8571952). Therefore, this variant is classified as Pathogenic according to the recommendation of ACMG/AMP guideline.

Labcorp Genetics (formerly Invitae), Labcorp
Classification: Uncertain significance. Last evaluated: 2022-06-15. Review status: criteria provided, single submitter. Criteria: Invitae Variant Classification Sherloc (09022015). Collection method: clinical testing. Allele origin: germline.
Comment: This variant, c.1954_1956del, results in the deletion of 1 amino acid(s) of the ERCC2 protein (p.Leu652del), but otherwise preserves the integrity of the reading frame. This variant is present in population databases (rs775486463, gnomAD 0.006%). This variant has not been reported in the literature in individuals affected with ERCC2-related conditions. Experimental studies and prediction algorithms are not available or were not evaluated, and the functional significance of this variant is currently unknown. In summary, the available evidence is currently insufficient to determine the role of this variant in disease. Therefore, it has been classified as a Variant of Uncertain Significance.